The following is an entry in ClinVar:

NM_024675.4(PALB2):c.2997-2A>T

Gene: PALB2 (partner and localizer of BRCA2; minus strand). Cytogenetic location: 16p12.2.
Variant type: single nucleotide variant.
Coding change: c.2997-2A>T on transcript NM_024675.4 (MANE Select); the canonical splice acceptor site of the intron before coding-DNA position 2997, A replaced by T.
Molecular consequence: splice acceptor variant. On other transcripts: intron variant (1).
Genome position (GRCh38, 1-based): chr16:23,621,480, T>A on the plus strand (A>T on the coding strand, the complement: PALB2 is on the minus strand). VCF-style: chr16-23621480-T-A. GRCh37 (hg19) VCF-style: chr16-23632801-T-A.
Other names: c.2112-2A>T (NM_001407305.1, NM_001407310.1, NM_001407304.1 and 4 more transcripts); c.531-2A>T (NM_001407314.1); c.1209-2A>T (NM_001407313.1, NM_001407312.1); c.2937-2A>T (NM_001407296.1); c.2925-2A>T (NM_001407297.1); c.2835-2A>T (NM_001407302.1, NM_001407298.1); c.2834+2529A>T (NM_001407300.1); c.2997-2A>T (NM_001407299.1, NM_001407301.1); and 1 more.
Identifiers: ClinVar variation 926193 (VCV000926193.3), dbSNP rs1555459421, ClinGen allele CA395143249.

ClinVar aggregate classification (germline): Likely pathogenic (1 of 4 stars; one submission).

Conditions:
Hereditary cancer-predisposing syndrome. Also called: Neoplastic Syndromes, Hereditary; Tumor predisposition; Hereditary Cancer Syndrome; Hereditary neoplastic syndrome. Identifiers: Orphanet 140162, MedGen C0027672, MeSH D009386, MONDO:0015356.

Submission:

Color Diagnostics, LLC DBA Color Health
Classification: Likely pathogenic for Hereditary cancer-predisposing syndrome. Last evaluated: 2020-03-09. Review status: criteria provided, single submitter. Criteria: ACMG Guidelines, 2015. Collection method: clinical testing. Allele origin: germline.
Comment: This variant causes an A to T nucleotide substitution at the -2 position of intron 9 of the PALB2 gene. Splice site prediction tools predict that this variant may have a significant impact on RNA splicing. Although this prediction has not been confirmed in published RNA studies, this variant is expected to disrupt the BRCA2 and RAD51 binding domain (PMID: 19423707, 24141787). This variant has not been reported in individuals affected with hereditary cancer in the literature. This variant has not been identified in the general population by the Genome Aggregation Database (gnomAD). Loss of PALB2 function is a known mechanism of disease. Based on the available evidence, this variant is classified as Likely Pathogenic.